The following is an entry in ClinVar:

NM_183357.3(ADCY5):c.220C>T (p.Arg74Cys)

Gene: ADCY5 (adenylate cyclase 5; minus strand). Cytogenetic location: 3q21.1.
Variant type: single nucleotide variant.
Coding change: c.220C>T on transcript NM_183357.3 (MANE Select); coding-DNA position 220, C replaced by T.
Protein change: p.Arg74Cys; replaces arginine 74 with cysteine.
Molecular consequence: missense variant.
Genome position (GRCh38, 1-based): chr3:123,448,326, G>A on the plus strand (C>T on the coding strand, the complement: ADCY5 is on the minus strand). VCF-style: chr3-123448326-G-A. GRCh37 (hg19) VCF-style: chr3-123167173-G-A.
Other names: c.220C>T, p.Arg74Cys (NM_001378259.1); short protein forms R74C.
Identifiers: ClinVar variation 3688704 (VCV003688704.2).

ClinVar aggregate classification (germline): Uncertain significance (1 of 4 stars; one submission).

gnomAD v4.1: 2 of 1,535,450 alleles (0.00013%); highest among the groups gnomAD compares: Non-Finnish European, 0.000087%; no homozygotes.

Submission:

Labcorp Genetics (formerly Invitae), Labcorp
Classification: Uncertain significance. Last evaluated: 2025-01-08. Review status: criteria provided, single submitter. Criteria: Invitae Variant Classification Sherloc (09022015). Collection method: clinical testing. Allele origin: germline.
Comment: This sequence change replaces arginine, which is basic and polar, with cysteine, which is neutral and slightly polar, at codon 74 of the ADCY5 protein (p.Arg74Cys). This variant is not present in population databases (gnomAD no frequency). This variant has not been reported in the literature in individuals affected with ADCY5-related conditions. Invitae Evidence Modeling of protein sequence and biophysical properties (such as structural, functional, and spatial information, amino acid conservation, physicochemical variation, residue mobility, and thermodynamic stability) has been performed for this missense variant. However, the output from this modeling did not meet the statistical confidence thresholds required to predict the impact of this variant on ADCY5 protein function. In summary, the available evidence is currently insufficient to determine the role of this variant in disease. Therefore, it has been classified as a Variant of Uncertain Significance.